The following is an entry in ClinVar:

ClinVar aggregate classification (germline): Uncertain significance (1 of 4 stars; one submission).

Conditions:
CDKN1C-related disorder. Also called: CDKN1C-related condition.

Submission:

PreventionGenetics, part of Exact Sciences
Classification: Uncertain significance for CDKN1C-related condition. Last evaluated: 2026-04-05. Review status: criteria provided, single submitter. Criteria: ACMG Guidelines, 2015. Collection method: clinical testing. Allele origin: germline.
Comment: The CDKN1C c.179G>C variant is predicted to result in the amino acid substitution p.Arg60Pro. To our knowledge, this variant has not been reported in the literature or in a large population database (gnomAD), indicating this variant is rare. At the time of reporting, this variant is absent from the ClinVar database. At this time, the clinical significance of this variant is uncertain due to the absence of conclusive functional and genetic evidence.

NM_001122630.2(CDKN1C):c.146G>C (p.Arg49Pro)

Gene: CDKN1C (cyclin dependent kinase inhibitor 1C; minus strand). Cytogenetic location: 11p15.4.
Variant type: single nucleotide variant.
Coding change: c.146G>C on transcript NM_001122630.2 (MANE Select); coding-DNA position 146, G replaced by C.
Protein change: p.Arg49Pro; replaces arginine 49 with proline.
Molecular consequence: missense variant.
Genome position (GRCh38, 1-based): chr11:2,885,311, C>G on the plus strand (G>C on the coding strand, the complement: CDKN1C is on the minus strand). VCF-style: chr11-2885311-C-G. GRCh37 (hg19) VCF-style: chr11-2906541-C-G.
Other names: c.179G>C, p.Arg60Pro (NM_000076.2, NM_001362474.2); c.146G>C, p.Arg49Pro (NM_001122631.2, NM_001362475.2); short protein forms R49P, R60P.
Identifiers: ClinVar variation 4995127 (VCV004995127.1).